The following is an entry in ClinVar:

NM_001256627.2(BRSK2):c.342G>A (p.Thr114=)

Gene: BRSK2 (BR serine/threonine kinase 2; plus strand). Cytogenetic location: 11p15.5.
Variant type: single nucleotide variant.
Coding change: c.342G>A on transcript NM_001256627.2 (MANE Select); coding-DNA position 342, G replaced by A.
Protein change: p.Thr114=; no amino-acid change (threonine 114 retained).
Molecular consequence: synonymous variant. On other transcripts: non-coding transcript variant (1).
Genome position (GRCh38, 1-based): chr11:1,440,857, G>A. VCF-style: chr11-1440857-G-A. GRCh37 (hg19) VCF-style: chr11-1462087-G-A.
Other names: c.342G>A, p.Thr114= (NM_001256629.2, NM_003957.4); c.480G>A, p.Thr160= (NM_001256630.1); c.162G>A, p.Thr54= (NM_001282218.2).
Identifiers: ClinVar variation 2498479 (VCV002498479.28), dbSNP rs376857896, ClinGen allele CA5810452.
Genomic context (GRCh38, chr11:1,440,857, plus strand): 5'-GCTAGAACACGTGTCAGGTGGTGAGCTCTTCGACTACCTGGTGAAGAAGGGGAGGCTGAC[G>A]CCTAAGGAGGCTCGGAAGTTCTTCCGGCAGATCATCTCTGCGCTGGACTTCTGCCACAGC-3'
Protein context (NP_001243556.1, residues 104-124): FDYLVKKGRL[Thr114=]PKEARKFFRQ

ClinVar aggregate classification (germline): Likely benign (1 of 4 stars; one submission).

Allele frequency attached by ClinVar (database versions not stated): ExAC 0.00002; gnomAD exomes 0.00006; gnomAD 0.00007; ESP Exome Variant Server 0.00008; TOPMed 0.00012.
gnomAD v4.1: 102 of 1,606,826 alleles (0.0063%); highest among the groups gnomAD compares: Non-Finnish European, 0.0076%; no homozygotes.

Submission:

CeGaT Center for Human Genetics Tuebingen
Classification: Likely benign. Last evaluated: 2023-03-01. Review status: criteria provided, single submitter. Criteria: CeGaT Center For Human Genetics Tuebingen Variant Classification Criteria Version 2. Collection method: clinical testing. Allele origin: germline. Affected: yes. Observed: 1 variant allele.
Comment: BRSK2: BP4, BP7